The following is an entry in ClinVar:

NM_001904.4(CTNNB1):c.1406G>A (p.Arg469His)

Genes: CTNNB1 (catenin beta 1; plus strand), LOC126806659 (BRD4-independent group 4 enhancer GRCh37_chr3:41274918-41276117; plus strand). Cytogenetic location: 3p22.1.
Variant type: single nucleotide variant.
Coding change: c.1406G>A on transcript NM_001904.4 (MANE Select); coding-DNA position 1406, G replaced by A.
Protein change: p.Arg469His; replaces arginine 469 with histidine.
Molecular consequence: missense variant.
Genome position (GRCh38, 1-based): chr3:41,233,749, G>A. VCF-style: chr3-41233749-G-A. GRCh37 (hg19) VCF-style: chr3-41275240-G-A.
Other names: c.1406G>A, p.Arg469His (NM_001098209.2, NM_001098210.2); c.1385G>A, p.Arg462His (NM_001330729.2); short protein forms R462H, R469H.
Identifiers: ClinVar variation 1805971 (VCV001805971.4), dbSNP rs2125640132, ClinGen allele CA352233405.
Genomic context (GRCh38, chr3:41,233,749, plus strand): 5'-GTACTGTCCTTCGGGCTGGTGACAGGGAAGACATCACTGAGCCTGCCATCTGTGCTCTTC[G>A]TCATCTGACCAGCCGACACCAAGAAGCAGAGATGGCCCAGAATGCAGTTCGCCTTCACTA-3'
Protein context (NP_001895.1, residues 459-479): DITEPAICAL[Arg469His]HLTSRHQEAE

ClinVar aggregate classification (germline): Conflicting classifications of pathogenicity. Review status: criteria provided, conflicting classifications (1 of 4 stars). 3 submissions from 3 submitters: Likely pathogenic (1); Uncertain significance (2). Last evaluated 2025-07-24.

Conditions:
Severe intellectual disability-progressive spastic diplegia syndrome (NEDSDV). Also called: NEURODEVELOPMENTAL DISORDER WITH SPASTIC DIPLEGIA AND VISUAL DEFECTS; CTNNB1 Neurodevelopmental Disorder. Identifiers: Orphanet 404473, MedGen C3554449, MONDO:0014035, OMIM 615075.
CTNNB1-related disorder. Also called: CTNNB1-related condition.

Allele frequency attached by ClinVar (database versions not stated): gnomAD exomes below 0.00001.
gnomAD v4.1: 1 of 1,613,972 alleles (0.000062%); highest among the groups gnomAD compares: Non-Finnish European, 0.000085%; no homozygotes.

Submissions (3):

PreventionGenetics, part of Exact Sciences
Classification: Likely pathogenic for CTNNB1-related condition. Last evaluated: 2025-07-24. Review status: criteria provided, single submitter. Criteria: ACMG Guidelines, 2015. Collection method: clinical testing. Allele origin: germline.
Comment: The CTNNB1 c.1406G>A variant is predicted to result in the amino acid substitution p.Arg469His. To our knowledge, this variant has not been reported in the literature or in a large population database (gnomAD), indicating this variant is rare. However, this variant has been reported, including once as a de novo variant, in patients with clinical features consistent with CTNNB1-related disease (Internal data, PreventionGenetics). We classify this variant as likely pathogenic.

Blueprint Genetics
Classification: Uncertain significance. Last evaluated: 2022-11-29. Review status: criteria provided, single submitter. Criteria: ACMG Guidelines, 2015. Collection method: clinical testing. Allele origin: germline.

Victorian Clinical Genetics Services, Murdoch Childrens Research Institute
Classification: Uncertain significance for Severe intellectual disability-progressive spastic diplegia syndrome. Last evaluated: 2022-09-02. Review status: criteria provided, single submitter. Criteria: ACMG Guidelines, 2015. Collection method: clinical testing. Allele origin: germline. Inheritance: Autosomal dominant inheritance. Affected: yes.
Comment: Based on the classification scheme VCGS_Germline_v1.3.4, this variant is classified as VUS-3A. Following criteria are met: 0102 - Loss of function is a known mechanism of disease in this gene and is associated with neurodevelopmental disorder with spastic diplegia and visual defects (MIM#615075), and exudative vitreoretinopathy 7 (MIM#617572). However, somatic variants with a gain of function mechanism have been reported to cause cancer (OMIM). (I) 0107 - This gene is associated with autosomal dominant disease. (I) 0200 - Variant is predicted to result in a missense amino acid change from arginine to histidine. (I) 0251 - This variant is heterozygous. (I) 0301 - Variant is absent from gnomAD (both v2 and v3). (SP) 0502 - Missense variant with conflicting in silico predictions and uninformative conservation. (I) 0601 - Variant is located in the well-established functional armadillo repeat. Mutagenesis studies on this residue have proven that it is important for conductin and LEF-1 binding and LEF-1/TCF transactivation (PMID: 10966653). (SP) 0704 - Another missense variant comparable to the one identified in this case has limited previous evidence for pathogenicity. This alternative change (p.(Arg469Cys)) has been reported as a VUS, but more recently as likely pathogenic and observed as de novo in an individual with a CTNNB1-related disorder (ClinVar, GeneDx personal communication). (SP) 0807 - This variant has no previous evidence of pathogenicity. (I) 0905 - No published segregation evidence has been identified for this variant. (I) 1007 - No published functional evidence has been identified for this variant. (I) 1208 - Inheritance information for this variant is not currently available in this individual. (I) Legend: (SP) - Supporting pathogenic, (I) - Information, (SB) - Supporting benign

Literature cited by the submitters: PubMed 10966653 (cited by Victorian Clinical Genetics Services, Murdoch Childrens Research Institute).